The following is an entry in ClinVar:

ClinVar aggregate classification (germline): Likely benign. Review status: criteria provided, multiple submitters, no conflicts (2 of 4 stars). 2 submissions from 2 submitters: Likely benign (2). Last evaluated 2025-11-13.

Allele frequency attached by ClinVar (database versions not stated): TOPMed below 0.00001; gnomAD 0.00001; gnomAD exomes 0.00002.
gnomAD v4.1: 25 of 1,614,042 alleles (0.0015%); highest among the groups gnomAD compares: Non-Finnish European, 0.002%; no homozygotes.

Submissions (2):

Labcorp Genetics (formerly Invitae), Labcorp
Classification: Likely benign. Last evaluated: 2025-11-13. Review status: criteria provided, single submitter. Criteria: Invitae Variant Classification Sherloc (09022015). Collection method: clinical testing. Allele origin: germline.

CeGaT Center for Human Genetics Tuebingen
Classification: Likely benign. Last evaluated: 2023-10-01. Review status: criteria provided, single submitter. Criteria: CeGaT Center For Human Genetics Tuebingen Variant Classification Criteria Version 2. Collection method: clinical testing. Allele origin: germline. Affected: yes. Observed: 1 variant allele.
Comment: KMT2A: BP4, BP7

NM_001197104.2(KMT2A):c.7692C>T (p.Ala2564=)

Gene: KMT2A (lysine methyltransferase 2A; plus strand). Cytogenetic location: 11q23.3.
Variant type: single nucleotide variant.
Coding change: c.7692C>T on transcript NM_001197104.2 (MANE Select); coding-DNA position 7692, C replaced by T.
Protein change: p.Ala2564=; no amino-acid change (alanine 2564 retained).
Molecular consequence: synonymous variant.
Genome position (GRCh38, 1-based): chr11:118,503,584, C>T. VCF-style: chr11-118503584-C-T. GRCh37 (hg19) VCF-style: chr11-118374299-C-T.
Other names: c.7782C>T, p.Ala2594= (NM_001412597.1); c.7683C>T, p.Ala2561= (NM_005933.4).
Identifiers: ClinVar variation 2642429 (VCV002642429.27), dbSNP rs1350516389, ClinGen allele CA477359992.
Genomic context (GRCh38, chr11:118,503,584, plus strand): 5'-AAGTAGTCCTGCTTCCCCTTTGCAAATAGAGTCAACATCTCCCACAGAACCAATTTCAGC[C>T]TCTGAAAATCCAGGAGATGGTCCAGTGGCCCAACCAAGCCCCAATAATACCTCATGCCAG-3'
Protein context (NP_001184033.1, residues 2554-2574): ESTSPTEPIS[Ala2564=]SENPGDGPVA